The following is an entry in ClinVar:

NM_006231.4(POLE):c.135_152del (p.Asp45_Phe50del)

Gene: POLE (DNA polymerase epsilon, catalytic subunit; minus strand). Cytogenetic location: 12q24.33.
Variant type: Deletion.
Coding change: c.135_152del on transcript NM_006231.4 (MANE Select); coding-DNA positions 135 to 152, 18 bases deleted (TTTGCGGTTTGGTTTTGA).
Protein change: p.Asp45_Phe50del.
Genome position (GRCh38, 1-based): chr12:132,681,190-132,681,207, TCAAAACCAAACCGCAAA deleted on the plus strand (TTTGCGGTTTGGTTTTGA on the coding strand, the reverse complement: POLE is on the minus strand); deleting any 18 consecutive bases within chr12:132,681,190-132,681,209 gives the same sequence; the c. name uses the placement nearest the transcript's 3' end. VCF-style (leftmost placement, unchanged base first): chr12-132681189-CTCAAAACCAAACCGCAAA-C. GRCh37 (hg19) VCF-style: chr12-133257775-CTCAAAACCAAACCGCAAA-C.
Identifiers: ClinVar variation 4141176 (VCV004141176.1).

ClinVar aggregate classification (germline): Uncertain significance (1 of 4 stars; one submission).

Conditions:
Hereditary cancer-predisposing syndrome. Also called: Hereditary neoplastic syndrome; Neoplastic Syndromes, Hereditary; Tumor predisposition; Hereditary Cancer Syndrome. Identifiers: Orphanet 140162, MedGen C0027672, MeSH D009386, MONDO:0015356.

Submission:

Ambry Genetics
Classification: Uncertain significance for Hereditary cancer-predisposing syndrome. Last evaluated: 2025-08-06. Review status: criteria provided, single submitter. Criteria: Ambry Variant Classification Scheme 2023. Collection method: clinical testing. Allele origin: germline.
Comment: The c.135_152del18 variant (also known as p.D45_F50del) is located in coding exon 2 of the POLE gene. This variant results from an in-frame TTTGCGGTTTGGTTTTGA deletion at nucleotide positions 135 to 152. This results in the in-frame deletion of 6 amino acids at codons 45 to 50. This amino acid region is well conserved in available vertebrate species. In addition, this variant is predicted to be deleterious by in silico analysis (Choi Y et al. PLoS ONE. 2012; 7(10):e46688). Based on the available evidence, the clinical significance of this variant remains unclear.